The following is an entry in ClinVar:

NC_000015.10:g.32217692_32222141dup

Variant type: Duplication.
Genome position: GRCh38: chr15:32,217,692-32,222,141. GRCh37 (hg19): chr15:32,509,893-32,514,342.
Identifiers: ClinVar variation 157339 (VCV000157339.3), ClinGen allele CA10575661.

ClinVar aggregate classification (germline): not provided (0 of 4 stars; one submission).

Conditions:
Gestational diabetes mellitus uncontrolled. Identifiers: MedGen C3532257.

Submission:

Institute of Molecular and Cell Biology, University of Tartu
No classification provided. Condition: Gestational diabetes mellitus uncontrolled. Review status: no classification provided. Collection method: case-control. Allele origin: unknown. Affected: yes. Study: Kasak2014.
Comment: The study aimed to determine the contribution of copy number variants in the genetic etiology of normal and complicated pregnancies. The samples represented (i) maternal blood DNA drawn from healthy pregnant women during 1st or 2nd trimester and (ii) maternal and paternal blood DNA drawn at term pregnancy cases representing normal and complicated gestations (severe preeclampsia, PE; gestational diabetes, GD; small-for-gestational age newborn, SGA; large-for-gestational age newborn, LGA). We performed CNV calling based on genome-wide genotyping dataset (Illumina HumanOmniExpress-24-v1 BeadChip) by applying three algorithms, QuantiSNP, GADA (Genome Alteration Detection Algorithm) and CNstream in parallel. The acquired CNV calls were merged with HD-CNV (Hotspot Detector for Copy Number Variants) program and only the CNVs predicted by at least two programs, were considered in subsequent analysis.

Literature cited by the submitters: PubMed 25666259.